The following is an entry in ClinVar:

NM_002907.4(RECQL):c.1448-157_1448-152del

Gene: RECQL (RecQ like helicase; minus strand). Cytogenetic location: 12p12.1.
Variant type: Deletion.
Coding change: c.1448-157_1448-152del on transcript NM_002907.4 (MANE Select); 157 bases into the intron before coding-DNA position 1448 through 152 bases into the intron before coding-DNA position 1448, 6 bases deleted (AATAGC; older notation c.1448-157_1448-152delAATAGC).
Molecular consequence: intron variant.
Genome position (GRCh38, 1-based): chr12:21,471,799-21,471,804, GCTATT deleted on the plus strand (AATAGC on the coding strand, the reverse complement: RECQL is on the minus strand). VCF-style (leftmost placement, unchanged base first): chr12-21471798-GGCTATT-G. GRCh37 (hg19) VCF-style: chr12-21624732-GGCTATT-G.
Other names: c.1448-157_1448-152del (NM_032941.3).
Identifiers: ClinVar variation 679726 (VCV000679726.1), dbSNP rs58382074, ClinGen allele CA233565718.

ClinVar aggregate classification (germline): Benign (1 of 4 stars; one submission).

Allele frequency attached by ClinVar (database versions not stated): gnomAD exomes 0.11543; 1000 Genomes Project 0.12021; 1000 Genomes Project 30x 0.12274; gnomAD 0.14337 and 0.14799; TOPMed 0.15271.

Submission:

GeneDx
Classification: Benign. Last evaluated: 2018-06-20. Review status: criteria provided, single submitter. Criteria: GeneDx Variant Classification (06012015). Collection method: clinical testing. Allele origin: germline. Affected: yes.
Comment: This variant is considered likely benign or benign based on one or more of the following criteria: it is a conservative change, it occurs at a poorly conserved position in the protein, it is predicted to be benign by multiple in silico algorithms, and/or has population frequency not consistent with disease.